The following is an entry in ClinVar:

NM_000045.4(ARG1):c.275G>T (p.Arg92Ile)

Genes: ARG1 (arginase 1; plus strand), MED23 (mediator complex subunit 23; minus strand). Cytogenetic location: 6q23.2.
Variant type: single nucleotide variant.
Coding change: c.275G>T on transcript NM_000045.4 (MANE Select); coding-DNA position 275, G replaced by T.
Protein change: p.Arg92Ile; replaces arginine 92 with isoleucine.
Molecular consequence: missense variant. On other transcripts: non-coding transcript variant (1), intron variant (2).
Genome position (GRCh38, 1-based): chr6:131,579,255, G>T. VCF-style: chr6-131579255-G-T. GRCh37 (hg19) VCF-style: chr6-131900395-G-T.
Other names: c.299G>T, p.Arg100Ile (NM_001244438.2); c.275G>T, p.Arg92Ile (NM_001369020.1); c.4078-4960C>A (NM_001270521.2); c.4096-4960C>A (NM_015979.4); short protein forms R100I, R92I.
Identifiers: ClinVar variation 1917807 (VCV001917807.4), dbSNP rs1211764471, ClinGen allele CA365650765.

ClinVar aggregate classification (germline): Uncertain significance (1 of 4 stars; one submission).

Conditions:
Arginase deficiency. Also called: ARGININEMIA; ARG1 DEFICIENCY; Arginase 1 Deficiency. Identifiers: Orphanet 90, MedGen C0268548, MONDO:0008814, OMIM 207800.

Allele frequency attached by ClinVar (database versions not stated): TOPMed below 0.00001; gnomAD 0.00001.
gnomAD v4.1: 2 of 1,613,998 alleles (0.00012%); highest among the groups gnomAD compares: Non-Finnish European, 0.00017%; no homozygotes.

Submission:

Labcorp Genetics (formerly Invitae), Labcorp
Classification: Uncertain significance for Arginase deficiency. Last evaluated: 2022-01-03. Review status: criteria provided, single submitter. Criteria: Invitae Variant Classification Sherloc (09022015). Collection method: clinical testing. Allele origin: germline.
Comment: This sequence change replaces arginine, which is basic and polar, with isoleucine, which is neutral and non-polar, at codon 92 of the ARG1 protein (p.Arg92Ile). This variant is not present in population databases (gnomAD no frequency). In summary, the available evidence is currently insufficient to determine the role of this variant in disease. Therefore, it has been classified as a Variant of Uncertain Significance. Algorithms developed to predict the effect of missense changes on protein structure and function are either unavailable or do not agree on the potential impact of this missense change (SIFT: "Deleterious"; PolyPhen-2: "Benign"; Align-GVGD: "Class C15"). This variant has not been reported in the literature in individuals affected with ARG1-related conditions.